The following is an entry in ClinVar:

ClinVar aggregate classification (germline): Uncertain significance. Review status: criteria provided, multiple submitters, no conflicts (2 of 4 stars). 2 submissions from 2 submitters: Uncertain significance (2). Last evaluated 2025-05-16.

Conditions:
Jeune thoracic dystrophy. Also called: Jeune syndrome; Infantile thoracic dystrophy; Thoracic pelvic phalangeal dystrophy; Jeune's syndrome; Chondroectodermal dysplasia-like syndrome; Short-rib thoracic dysplasia. Identifiers: Orphanet 474, MedGen C0265275, MONDO:0018770.
Nephronophthisis. Also called: Juvenile Nephronophthisis. Identifiers: Orphanet 655, MedGen C0687120, MONDO:0019005, HP:0000090.
TTC21B-related disorder. Also called: TTC21B-related condition; TTC21B-related disorders.

Allele frequency attached by ClinVar (database versions not stated): gnomAD exomes below 0.00001; TOPMed below 0.00001; gnomAD 0.00001; ExAC 0.00002.
gnomAD v4.1: 7 of 1,614,046 alleles (0.00043%); highest among the groups gnomAD compares: Non-Finnish European, 0.00042%; no homozygotes.

Submissions (2):

PreventionGenetics, part of Exact Sciences
Classification: Uncertain significance for TTC21B-related condition. Last evaluated: 2025-05-16. Review status: criteria provided, single submitter. Criteria: ACMG Guidelines, 2015. Collection method: clinical testing. Allele origin: germline.
Comment: The TTC21B c.1785G>T variant is predicted to result in the amino acid substitution p.Met595Ile. To our knowledge, this variant has not been reported in the literature. This variant is reported in 0.0026% of alleles in individuals of European (Non-Finnish) descent in gnomAD. At this time, the clinical significance of this variant is uncertain due to the absence of conclusive functional and genetic evidence.

Labcorp Genetics (formerly Invitae), Labcorp
Classification: Uncertain significance for Jeune thoracic dystrophy; Nephronophthisis. Last evaluated: 2022-04-28. Review status: criteria provided, single submitter. Criteria: Invitae Variant Classification Sherloc (09022015). Collection method: clinical testing. Allele origin: germline.
Comment: In summary, the available evidence is currently insufficient to determine the role of this variant in disease. Therefore, it has been classified as a Variant of Uncertain Significance. Algorithms developed to predict the effect of missense changes on protein structure and function (SIFT, PolyPhen-2, Align-GVGD) all suggest that this variant is likely to be tolerated. This variant has not been reported in the literature in individuals affected with TTC21B-related conditions. This variant is present in population databases (rs752330213, gnomAD 0.003%). This sequence change replaces methionine, which is neutral and non-polar, with isoleucine, which is neutral and non-polar, at codon 595 of the TTC21B protein (p.Met595Ile).

NM_024753.5(TTC21B):c.1785G>T (p.Met595Ile)

Gene: TTC21B (tetratricopeptide repeat domain 21B; minus strand). Cytogenetic location: 2q24.3.
Variant type: single nucleotide variant.
Coding change: c.1785G>T on transcript NM_024753.5 (MANE Select); coding-DNA position 1785, G replaced by T.
Protein change: p.Met595Ile; replaces methionine 595 with isoleucine.
Molecular consequence: missense variant.
Genome position (GRCh38, 1-based): chr2:165,917,371, C>A on the plus strand (G>T on the coding strand, the complement: TTC21B is on the minus strand). VCF-style: chr2-165917371-C-A. GRCh37 (hg19) VCF-style: chr2-166773881-C-A.
Other names: c.1785G>T (NM_024753.4); short protein forms M595I.
Identifiers: ClinVar variation 1973548 (VCV001973548.6), dbSNP rs752330213, ClinGen allele CA1942018.